The following is an entry in ClinVar:

ClinVar aggregate classification (germline): Likely benign (0 of 4 stars; one submission).

Conditions:
RAB3A-related condition.

gnomAD v4.1: 1,440 of 1,607,404 alleles (0.09%); highest among the groups gnomAD compares: Non-Finnish European, 0.12%; no homozygotes.

Submission:

PreventionGenetics, part of Exact Sciences
Classification: Likely benign for RAB3A-related condition. Last evaluated: 2024-08-02. Review status: no assertion criteria provided. Collection method: clinical testing. Allele origin: germline.
Comment: This variant is classified as likely benign based on ACMG/AMP sequence variant interpretation guidelines (Richards et al. 2015 PMID: 25741868, with internal and published modifications).

NM_002866.5(RAB3A):c.*5C>T

Gene: RAB3A (RAB3A, member RAS oncogene family; minus strand). Cytogenetic location: 19p13.11.
Variant type: single nucleotide variant.
Coding change: c.*5C>T on transcript NM_002866.5 (MANE Select); 5 bases downstream of the stop codon, C replaced by T.
Molecular consequence: 3 prime UTR variant.
Genome position (GRCh38, 1-based): chr19:18,197,465, G>A on the plus strand (C>T on the coding strand, the complement: RAB3A is on the minus strand). VCF-style: chr19-18197465-G-A. GRCh37 (hg19) VCF-style: chr19-18308275-G-A.
Identifiers: ClinVar variation 3353498 (VCV003353498.1).